The following is an entry in ClinVar:

ClinVar aggregate classification (germline): Benign (1 of 4 stars; one submission).

Allele frequency attached by ClinVar (database versions not stated): 1000 Genomes Project 0.08407; 1000 Genomes Project 30x 0.08510; TOPMed 0.12787; gnomAD 0.13751 and 0.14121.
gnomAD v4.1: 20,992 of 152,126 alleles (14%); highest among the groups gnomAD compares: Non-Finnish European, 19%; 1,751 homozygotes.

Submission:

GeneDx
Classification: Benign. Last evaluated: 2018-06-14. Review status: criteria provided, single submitter. Criteria: GeneDx Variant Classification (06012015). Collection method: clinical testing. Allele origin: germline. Affected: yes.
Comment: This variant is considered likely benign or benign based on one or more of the following criteria: it is a conservative change, it occurs at a poorly conserved position in the protein, it is predicted to be benign by multiple in silico algorithms, and/or has population frequency not consistent with disease.

NM_002887.4(RARS1):c.1626-278C>T

Gene: RARS1 (arginyl-tRNA synthetase 1; plus strand). Cytogenetic location: 5q34.
Variant type: single nucleotide variant.
Coding change: c.1626-278C>T on transcript NM_002887.4 (MANE Select); 278 bases into the intron before coding-DNA position 1626, C replaced by T.
Molecular consequence: intron variant.
Genome position (GRCh38, 1-based): chr5:168,517,537, C>T. VCF-style: chr5-168517537-C-T. GRCh37 (hg19) VCF-style: chr5-167944542-C-T.
Identifiers: ClinVar variation 669557 (VCV000669557.1), dbSNP rs17552419, ClinGen allele CA12041786.